The following is an entry in ClinVar:

NM_007347.5(AP4E1):c.2702C>T (p.Ser901Phe)

Gene: AP4E1 (adaptor related protein complex 4 subunit epsilon 1; plus strand). Cytogenetic location: 15q21.2.
Variant type: single nucleotide variant.
Coding change: c.2702C>T on transcript NM_007347.5 (MANE Select); coding-DNA position 2702, C replaced by T.
Protein change: p.Ser901Phe; replaces serine 901 with phenylalanine.
Molecular consequence: missense variant.
Genome position (GRCh38, 1-based): chr15:50,997,681, C>T. VCF-style: chr15-50997681-C-T. GRCh37 (hg19) VCF-style: chr15-51289878-C-T.
Other names: c.2477C>T, p.Ser826Phe (NM_001252127.2); c.2702C>T (NM_007347.3); short protein forms S826F, S901F.
Identifiers: ClinVar variation 1336996 (VCV001336996.9), dbSNP rs757562999, ClinGen allele CA7559359.

ClinVar aggregate classification (germline): Uncertain significance. Review status: criteria provided, multiple submitters, no conflicts (2 of 4 stars). 3 submissions from 3 submitters: Uncertain significance (3). Last evaluated 2025-08-21.

Conditions:
Spastic paraplegia. Identifiers: MedGen C0037772, HP:0001258.
Inborn genetic diseases. Identifiers: MedGen C0950123, MeSH D030342.

Allele frequency attached by ClinVar (database versions not stated): gnomAD 0.00003 and 0.00004; TOPMed 0.00003; gnomAD exomes 0.00004.
gnomAD v4.1: 62 of 1,613,862 alleles (0.0038%); highest among the groups gnomAD compares: Admixed American, 0.01%; no homozygotes.

Submissions (3):

Ambry Genetics
Classification: Uncertain significance for Inborn genetic diseases. Last evaluated: 2025-08-21. Review status: criteria provided, single submitter. Criteria: Ambry Variant Classification Scheme 2023. Collection method: clinical testing. Allele origin: germline.

Labcorp Genetics (formerly Invitae), Labcorp
Classification: Uncertain significance for Spastic paraplegia. Last evaluated: 2021-12-19. Review status: criteria provided, single submitter. Criteria: Invitae Variant Classification Sherloc (09022015). Collection method: clinical testing. Allele origin: germline.
Comment: This sequence change replaces serine, which is neutral and polar, with phenylalanine, which is neutral and non-polar, at codon 901 of the AP4E1 protein (p.Ser901Phe). In summary, the available evidence is currently insufficient to determine the role of this variant in disease. Therefore, it has been classified as a Variant of Uncertain Significance. Algorithms developed to predict the effect of missense changes on protein structure and function (SIFT, PolyPhen-2, Align-GVGD) all suggest that this variant is likely to be tolerated. This variant has not been reported in the literature in individuals affected with AP4E1-related conditions. This variant is present in population databases (rs757562999, gnomAD 0.009%).

Genetic Services Laboratory, University of Chicago
Classification: Uncertain significance. Last evaluated: 2019-01-14. Review status: criteria provided, single submitter. Criteria: ACMG Guidelines, 2015. Collection method: clinical testing. Allele origin: germline. Affected: no.